The following is an entry in ClinVar:

NM_198578.4(LRRK2):c.2666A>G (p.Gln889Arg)

Gene: LRRK2 (leucine rich repeat kinase 2; plus strand). Cytogenetic location: 12q12.
Variant type: single nucleotide variant.
Coding change: c.2666A>G on transcript NM_198578.4 (MANE Select); coding-DNA position 2666, A replaced by G.
Protein change: p.Gln889Arg; replaces glutamine 889 with arginine.
Molecular consequence: missense variant.
Genome position (GRCh38, 1-based): chr12:40,287,516, A>G. VCF-style: chr12-40287516-A-G. GRCh37 (hg19) VCF-style: chr12-40681318-A-G.
Other names: short protein forms Q889R.
Identifiers: ClinVar variation 1794496 (VCV001794496.2), dbSNP rs2499680613, ClinGen allele CA384409183.

ClinVar aggregate classification (germline): Uncertain significance (1 of 4 stars; one submission).

Conditions:
Inborn genetic diseases. Identifiers: MedGen C0950123, MeSH D030342.

Allele frequency attached by ClinVar (database versions not stated): gnomAD exomes below 0.00001.
gnomAD v4.1: 1 of 1,612,554 alleles (0.000062%); highest among the groups gnomAD compares: African/African-American, 0.0013%; no homozygotes.

Submission:

Ambry Genetics
Classification: Uncertain significance for Inborn genetic diseases. Last evaluated: 2021-06-21. Review status: criteria provided, single submitter. Criteria: Ambry Variant Classification Scheme 2023. Collection method: clinical testing. Allele origin: germline.
Comment: The p.Q889R variant (also known as c.2666A>G), located in coding exon 20 of the LRRK2 gene, results from an A to G substitution at nucleotide position 2666. The glutamine at codon 889 is replaced by arginine, an amino acid with highly similar properties. This amino acid position is conserved. In addition, this alteration is predicted to be tolerated by in silico analysis. Since supporting evidence is limited at this time, the clinical significance of this alteration remains unclear.